The following is an entry in ClinVar:

ClinVar aggregate classification (germline): Uncertain significance (1 of 4 stars; one submission).

Submission:

Labcorp Genetics (formerly Invitae), Labcorp
Classification: Uncertain significance. Last evaluated: 2023-04-14. Review status: criteria provided, single submitter. Criteria: Invitae Variant Classification Sherloc (09022015). Collection method: clinical testing. Allele origin: germline.
Comment: This variant, c.84_85delinsTT, is a complex sequence change that results in the deletion of 2 and insertion of 2 amino acid(s) in the FH protein (p.Leu28_Gly29delinsPheCys). Information on the frequency of this variant in the gnomAD database is not available, as this variant may be reported differently in the database. This variant has not been reported in the literature in individuals affected with FH-related conditions. Experimental studies and prediction algorithms are not available or were not evaluated, and the functional significance of this variant is currently unknown. In summary, the available evidence is currently insufficient to determine the role of this variant in disease. Therefore, it has been classified as a Variant of Uncertain Significance.

NM_000143.4(FH):c.84_85delinsTT (p.Leu28_Gly29delinsPheCys)

Gene: FH (fumarate hydratase; minus strand). Cytogenetic location: 1q43.
Variant type: Indel.
Coding change: c.84_85delinsTT on transcript NM_000143.4 (MANE Select); coding-DNA positions 84 to 85, GG replaced by TT.
Protein change: p.Leu28_Gly29delinsPheCys.
Molecular consequence: missense variant.
Genome position (GRCh38, 1-based): chr1:241,519,638-241,519,639, CC replaced by AA on the plus strand (GG replaced by TT on the coding strand, the reverse complement: FH is on the minus strand). VCF-style: chr1-241519638-CC-AA. GRCh37 (hg19) VCF-style: chr1-241682938-CC-AA.
Identifiers: ClinVar variation 2807903 (VCV002807903.3), dbSNP rs2527345094, ClinGen allele CA2739274098.